The following is an entry in ClinVar:

NM_003073.5(SMARCB1):c.501-1G>C

Gene: SMARCB1 (SWI/SNF related BAF chromatin remodeling complex subunit B1; plus strand). Cytogenetic location: 22q11.23.
Variant type: single nucleotide variant.
Coding change: c.501-1G>C on transcript NM_003073.5 (MANE Select); the canonical splice acceptor site of the intron before coding-DNA position 501, G replaced by C.
Molecular consequence: splice acceptor variant.
Genome position (GRCh38, 1-based): chr22:23,803,294, G>C. VCF-style: chr22-23803294-G-C. GRCh37 (hg19) VCF-style: chr22-24145481-G-C.
Other names: c.555-1G>C (NM_001362877.2); c.528-1G>C (NM_001317946.2); c.474-1G>C (NM_001007468.3).
Identifiers: ClinVar variation 464328 (VCV000464328.10), dbSNP rs1555877276, ClinGen allele CA410935393.

ClinVar aggregate classification (germline): Pathogenic (1 of 4 stars; one submission).

Submission:

Labcorp Genetics (formerly Invitae), Labcorp
Classification: Pathogenic. Last evaluated: 2017-08-01. Review status: criteria provided, single submitter. Criteria: Invitae Variant Classification Sherloc (09022015). Collection method: clinical testing. Allele origin: germline.
Comment: For these reasons, this variant has been classified as Pathogenic. Donor and acceptor splice site variants typically lead to a loss of protein function (PMID: 16199547), and loss-of-function variants in SMARCB1 are known to be pathogenic (PMID: 10521299, 21208904). Algorithms developed to predict the effect of sequence changes on RNA splicing suggest that this variant may disrupt the consensus splice site, but this prediction has not been confirmed by published transcriptional studies. This variant is not present in population databases (ExAC no frequency). This sequence change affects an acceptor splice site in intron 4 of the SMARCB1 gene. It is expected to disrupt RNA splicing and likely results in an absent or disrupted protein product.

Literature cited by the submitters: PubMed 16199547; PubMed 10521299; PubMed 21208904.